The following is an entry in ClinVar:

NM_000535.7(PMS2):c.121G>C (p.Glu41Gln)

Gene: PMS2 (PMS1 homolog 2, mismatch repair system component; minus strand). Cytogenetic location: 7p22.1.
Variant type: single nucleotide variant.
Coding change: c.121G>C on transcript NM_000535.7 (MANE Select); coding-DNA position 121, G replaced by C.
Protein change: p.Glu41Gln; replaces glutamic acid 41 with glutamine.
Molecular consequence: missense variant. On other transcripts: 5 prime UTR variant (38), non-coding transcript variant (1), intron variant (7).
Genome position (GRCh38, 1-based): chr7:6,005,934, C>G on the plus strand (G>C on the coding strand, the complement: PMS2 is on the minus strand). VCF-style: chr7-6005934-C-G. GRCh37 (hg19) VCF-style: chr7-6045565-C-G.
Other names: c.-285G>C (NM_001322003.2, NM_001322005.2, NM_001406887.1 and 10 more transcripts); c.121G>C, p.Glu41Gln (NM_001322006.2, NM_001406884.1, NM_001406885.1 and 10 more transcripts); c.-232G>C (NM_001406888.1, NM_001406889.1, NM_001406892.1 and 5 more transcripts); c.-275G>C (NM_001406890.1); c.-95G>C (NM_001406896.1, NM_001406901.1, NM_001406902.1 and 4 more transcripts); c.-261G>C (NM_001406900.1); c.-764G>C (NM_001322011.2, NM_001322012.2); c.-364G>C (NM_001322015.2, NM_001406875.1, NM_001406877.1 and 2 more transcripts); and 7 more; short protein forms E41Q, E103Q.
Identifiers: ClinVar variation 3421495 (VCV003421495.2).

ClinVar aggregate classification (germline): Uncertain significance (1 of 4 stars; one submission).

Conditions:
Hereditary cancer-predisposing syndrome. Also called: Tumor predisposition; Hereditary Cancer Syndrome; Hereditary neoplastic syndrome; Neoplastic Syndromes, Hereditary. Identifiers: Orphanet 140162, MedGen C0027672, MeSH D009386, MONDO:0015356.

Submission:

Ambry Genetics
Classification: Uncertain significance for Hereditary cancer-predisposing syndrome. Last evaluated: 2026-08-10. Review status: criteria provided, single submitter. Criteria: Ambry Variant Classification Scheme 2023. Collection method: clinical testing. Allele origin: germline.
Comment: The p.E41Q variant (also known as c.121G>C), located in coding exon 2 of the PMS2 gene, results from a G to C substitution at nucleotide position 121. The glutamic acid at codon 41 is replaced by glutamine, an amino acid with highly similar properties. This amino acid position is highly conserved in available vertebrate species. In addition, this alteration is predicted to be deleterious by in silico analysis. Based on the available evidence, the clinical significance of this variant remains unclear.